The following is an entry in ClinVar:

ClinVar aggregate classification (germline): Benign/Likely benign. Review status: criteria provided, multiple submitters, no conflicts (2 of 4 stars). 3 submissions from 3 submitters: Benign (1); Likely benign (2). Last evaluated 2026-01-02.

Allele frequency attached by ClinVar (database versions not stated): gnomAD exomes 0.00025 and 0.00006; 1000 Genomes Project 30x 0.00031; 1000 Genomes Project 0.00040; gnomAD 0.00014 and 0.00017; TOPMed 0.00017; ExAC 0.00019.
gnomAD v4.1: 108 of 1,614,078 alleles (0.0067%); highest among the groups gnomAD compares: East Asian, 0.23%; no homozygotes.

Submissions (3):

Labcorp Genetics (formerly Invitae), Labcorp
Classification: Likely benign. Last evaluated: 2026-01-02. Review status: criteria provided, single submitter. Criteria: Invitae Variant Classification Sherloc (09022015). Collection method: clinical testing. Allele origin: germline.

Blueprint Genetics
Classification: Benign. Last evaluated: 2024-08-30. Review status: criteria provided, single submitter. Criteria: ACMG Guidelines, 2015. Collection method: clinical testing. Allele origin: germline.

CeGaT Center for Human Genetics Tuebingen
Classification: Likely benign. Last evaluated: 2023-12-01. Review status: criteria provided, single submitter. Criteria: CeGaT Center For Human Genetics Tuebingen Variant Classification Criteria Version 2. Collection method: clinical testing. Allele origin: germline. Affected: yes. Observed: 1 variant allele.
Comment: ARHGEF18: BP4

NM_001367823.1(ARHGEF18):c.1295C>T (p.Ala432Val)

Gene: ARHGEF18 (Rho/Rac guanine nucleotide exchange factor 18; plus strand). Cytogenetic location: 19p13.2.
Variant type: single nucleotide variant.
Coding change: c.1295C>T on transcript NM_001367823.1 (MANE Select); coding-DNA position 1295, C replaced by T.
Protein change: p.Ala432Val; replaces alanine 432 with valine.
Molecular consequence: missense variant.
Genome position (GRCh38, 1-based): chr19:7,441,987, C>T. VCF-style: chr19-7441987-C-T. GRCh37 (hg19) VCF-style: chr19-7506873-C-T.
Other names: c.569C>T, p.Ala190Val (NM_001130955.2); c.257C>T, p.Ala86Val (NM_001367824.1, NM_015318.4); short protein forms A190V, A432V, A86V.
Identifiers: ClinVar variation 1100155 (VCV001100155.32), dbSNP rs200966278, ClinGen allele CA9136423.